The following is an entry in ClinVar:

NM_014846.4(WASHC5):c.596C>G (p.Pro199Arg)

Gene: WASHC5 (WASH complex subunit 5; minus strand). Cytogenetic location: 8q24.13.
Variant type: single nucleotide variant.
Coding change: c.596C>G on transcript NM_014846.4 (MANE Select); coding-DNA position 596, C replaced by G.
Protein change: p.Pro199Arg; replaces proline 199 with arginine.
Molecular consequence: missense variant.
Genome position (GRCh38, 1-based): chr8:125,078,853, G>C on the plus strand (C>G on the coding strand, the complement: WASHC5 is on the minus strand). VCF-style: chr8-125078853-G-C. GRCh37 (hg19) VCF-style: chr8-126091095-G-C.
Other names: c.152C>G, p.Pro51Arg (NM_001330609.2); short protein forms P199R, P51R.
Identifiers: ClinVar variation 1712027 (VCV001712027.3), dbSNP rs957282087, ClinGen allele CA185324256.

ClinVar aggregate classification (germline): Uncertain significance. Review status: criteria provided, multiple submitters, no conflicts (2 of 4 stars). 2 submissions from 2 submitters: Uncertain significance (2). Last evaluated 2026-03-19.

Conditions:
Inborn genetic diseases. Identifiers: MedGen C0950123, MeSH D030342.

Allele frequency attached by ClinVar (database versions not stated): TOPMed 0.00001; gnomAD exomes below 0.00001; gnomAD 0.00001.
gnomAD v4.1: 3 of 1,613,736 alleles (0.00019%); highest among the groups gnomAD compares: African/African-American, 0.004%; no homozygotes.

Submissions (2):

Ambry Genetics
Classification: Uncertain significance for Inborn genetic diseases. Last evaluated: 2026-03-19. Review status: criteria provided, single submitter. Criteria: Ambry Variant Classification Scheme 2023. Collection method: clinical testing. Allele origin: germline.

GeneDx
Classification: Uncertain significance. Last evaluated: 2022-04-18. Review status: criteria provided, single submitter. Criteria: GeneDx Variant Classification Process June 2021. Collection method: clinical testing. Allele origin: germline. Affected: yes.
Comment: Not observed at significant frequency in large population cohorts (gnomAD); In silico analysis supports that this missense variant has a deleterious effect on protein structure/function; Has not been previously published as pathogenic or benign to our knowledge